The following is an entry in ClinVar:

NM_001267550.2(TTN):c.87663T>C (p.Ser29221=)

Genes: TTN (titin; minus strand), TTN-AS1 (TTN antisense RNA 1; plus strand). Cytogenetic location: 2q31.2.
Variant type: single nucleotide variant.
Coding change: c.87663T>C on transcript NM_001267550.2 (MANE Select); coding-DNA position 87663, T replaced by C.
Protein change: p.Ser29221=; no amino-acid change (serine 29221 retained).
Molecular consequence: synonymous variant.
Genome position (GRCh38, 1-based): chr2:178,557,691, A>G on the plus strand (T>C on the coding strand, the complement: TTN is on the minus strand). VCF-style: chr2-178557691-A-G. GRCh37 (hg19) VCF-style: chr2-179422418-A-G.
Other names: c.82740T>C, p.Ser27580= (NM_001256850.1); c.79959T>C, p.Ser26653= (NM_133378.4); c.60468T>C, p.Ser20156= (NM_003319.4); c.60843T>C, p.Ser20281= (NM_133432.3); c.61044T>C, p.Ser20348= (NM_133437.4).
Identifiers: ClinVar variation 47466 (VCV000047466.47), dbSNP rs397517737, ClinGen allele CA141094.

ClinVar aggregate classification (germline): Likely benign. Review status: criteria provided, multiple submitters, no conflicts (2 of 4 stars). 8 submissions from 8 submitters: Likely benign (5). 3 of the submissions do not count toward it. Last evaluated 2026-01-07.

Conditions:
TTN-related disorder. Also called: TTN-related condition; TTN-related disease; TTN-related disorders.
Cardiovascular phenotype. Identifiers: MedGen CN230736.
Dilated cardiomyopathy 1G (CMD1G). Identifiers: Orphanet 154, MedGen C1858763, MONDO:0011400, OMIM 604145.
Autosomal recessive limb-girdle muscular dystrophy type 2J (LGMDR10). Also called: Limb-girdle muscular dystrophy, type 2J; MUSCULAR DYSTROPHY, LIMB-GIRDLE, AUTOSOMAL RECESSIVE 10. Identifiers: Orphanet 140922, MedGen C1837342, MONDO:0012127, OMIM 608807.

Allele frequency attached by ClinVar (database versions not stated): TOPMed below 0.00001; gnomAD 0.00001; gnomAD exomes 0.00001.
gnomAD v4.1: 18 of 1,613,852 alleles (0.0011%); highest among the groups gnomAD compares: Middle Eastern, 0.033%; no homozygotes.

Submissions (8):

Labcorp Genetics (formerly Invitae), Labcorp
Classification: Likely benign for Dilated cardiomyopathy 1G; Autosomal recessive limb-girdle muscular dystrophy type 2J. Last evaluated: 2026-01-07. Review status: criteria provided, single submitter. Criteria: Invitae Variant Classification Sherloc (09022015). Collection method: clinical testing. Allele origin: germline.

CeGaT Center for Human Genetics Tuebingen
Classification: Likely benign. Last evaluated: 2025-10-01. Review status: criteria provided, single submitter. Criteria: CeGaT Center For Human Genetics Tuebingen Variant Classification Criteria Version 2. Collection method: clinical testing. Allele origin: germline. Affected: yes. Observed: 3 variant alleles.
Comment: TTN: BP4, BP7

Ambry Genetics
Classification: Likely benign for Cardiovascular phenotype. Last evaluated: 2024-05-02. Review status: criteria provided, single submitter. Criteria: Ambry Variant Classification Scheme 2023. Collection method: clinical testing. Allele origin: germline.

GeneDx
Classification: Likely benign. Last evaluated: 2017-11-27. Review status: criteria provided, single submitter. Criteria: GeneDx Variant Classification (06012015). Collection method: clinical testing. Allele origin: germline. Affected: yes.
Comment: This variant is considered likely benign or benign based on one or more of the following criteria: it is a conservative change, it occurs at a poorly conserved position in the protein, it is predicted to be benign by multiple in silico algorithms, and/or has population frequency not consistent with disease.

Laboratory for Molecular Medicine, Mass General Brigham Personalized Medicine
Classification: Likely benign. Last evaluated: 2011-12-13. Review status: criteria provided, single submitter. Criteria: LMM Criteria. Collection method: clinical testing. Allele origin: germline. Observed: 1 variant allele.
Comment: Ser26653Ser in exon 277 of TTN: This variant is not expected to have clinical si gnificance because it does not alter an amino acid residue and is not located wi thin the splice consensus sequence. Ser26653Ser in exon 277 of TTN (allele freq uency = n/a)

PreventionGenetics, part of Exact Sciences
Classification: Likely benign for TTN-related condition. Last evaluated: 2019-02-20. Review status: no assertion criteria provided. Collection method: clinical testing. Allele origin: germline. Not counted in ClinVar's aggregate classification.
Comment: This variant is classified as likely benign based on ACMG/AMP sequence variant interpretation guidelines (Richards et al. 2015 PMID: 25741868, with internal and published modifications).

Clinical Genetics DNA and cytogenetics Diagnostics Lab, Erasmus MC, Erasmus Medical Center
Classification: Likely benign. Review status: no assertion criteria provided. Collection method: clinical testing. Allele origin: germline. Affected: yes. Study: VKGL Data-share Consensus. Not counted in ClinVar's aggregate classification.

Clinical Genetics, Academic Medical Center
Classification: Benign. Review status: no assertion criteria provided. Collection method: clinical testing. Allele origin: germline. Affected: yes. Study: VKGL Data-share Consensus. Not counted in ClinVar's aggregate classification.